The following is an entry in ClinVar:

ClinVar aggregate classification (germline): Uncertain significance (1 of 4 stars; one submission).

Allele frequency attached by ClinVar (database versions not stated): ExAC 0.00001; gnomAD 0.00001.
gnomAD v4.1: 4 of 1,610,062 alleles (0.00025%); highest among the groups gnomAD compares: Admixed American, 0.005%; no homozygotes.

Submission:

Labcorp Genetics (formerly Invitae), Labcorp
Classification: Uncertain significance. Last evaluated: 2024-08-30. Review status: criteria provided, single submitter. Criteria: Invitae Variant Classification Sherloc (09022015). Collection method: clinical testing. Allele origin: germline.
Comment: This sequence change falls in intron 4 of the MUT gene. It does not directly change the encoded amino acid sequence of the MUT protein. It affects a nucleotide within the consensus splice site. This variant is present in population databases (rs756531131, gnomAD 0.003%). This variant has not been reported in the literature in individuals affected with MUT-related conditions. ClinVar contains an entry for this variant (Variation ID: 2139416). Variants that disrupt the consensus splice site are a relatively common cause of aberrant splicing (PMID: 17576681, 9536098). Algorithms developed to predict the effect of sequence changes on RNA splicing suggest that this variant is not likely to affect RNA splicing. In summary, the available evidence is currently insufficient to determine the role of this variant in disease. Therefore, it has been classified as a Variant of Uncertain Significance.

Literature cited by the submitters: PubMed 17576681; PubMed 9536098.

NM_000255.4(MMUT):c.911+5G>A

Gene: MMUT (methylmalonyl-CoA mutase; minus strand). Cytogenetic location: 6p12.3.
Variant type: single nucleotide variant.
Coding change: c.911+5G>A on transcript NM_000255.4 (MANE Select); 5 bases into the intron after coding-DNA position 911, G replaced by A.
Molecular consequence: intron variant.
Genome position (GRCh38, 1-based): chr6:49,456,075, C>T on the plus strand (G>A on the coding strand, the complement: MMUT is on the minus strand). VCF-style: chr6-49456075-C-T. GRCh37 (hg19) VCF-style: chr6-49423788-C-T.
Identifiers: ClinVar variation 2139416 (VCV002139416.3), dbSNP rs756531131, ClinGen allele CA3847018.
Genomic context (GRCh38, chr6:49,456,075, plus strand): 5'-CAATATATAAAATGGTCCTATGCATTTCTTAATGTTGAAACAATATCTAGGTTTAATTTA[C>T]TCACCTTGGTGCAAATTCATCAATTGTCAGGCCAGCCTGGAGTCCAGTTCTAGAGTACTC-3'